The following is an entry in ClinVar:

ClinVar aggregate classification (germline): Uncertain significance (1 of 4 stars; one submission).

Conditions:
POLD1-related polyposis and colorectal cancer syndrome (CRCS10). Also called: Colorectal cancer 10; COLORECTAL CANCER, SUSCEPTIBILITY TO, ON CHROMOSOME 19q; Colorectal cancer, susceptibility to, 10. Identifiers: Orphanet 220460, MedGen C2675481, MONDO:0012953, OMIM 612591.

Submission:

Labcorp Genetics (formerly Invitae), Labcorp
Classification: Uncertain significance for POLD1-related polyposis and colorectal cancer syndrome. Last evaluated: 2021-12-02. Review status: criteria provided, single submitter. Criteria: Invitae Variant Classification Sherloc (09022015). Collection method: clinical testing. Allele origin: germline.
Comment: This sequence change replaces glutamic acid, which is acidic and polar, with glycine, which is neutral and non-polar, at codon 634 of the POLD1 protein (p.Glu634Gly). In summary, the available evidence is currently insufficient to determine the role of this variant in disease. Therefore, it has been classified as a Variant of Uncertain Significance. Algorithms developed to predict the effect of missense changes on protein structure and function (SIFT, PolyPhen-2, Align-GVGD) all suggest that this variant is likely to be tolerated. This variant has not been reported in the literature in individuals affected with POLD1-related conditions. This variant is not present in population databases (gnomAD no frequency).

NM_002691.4(POLD1):c.1901A>G (p.Glu634Gly)

Gene: POLD1 (DNA polymerase delta 1, catalytic subunit; plus strand). Cytogenetic location: 19q13.33.
Variant type: single nucleotide variant.
Coding change: c.1901A>G on transcript NM_002691.4 (MANE Select); coding-DNA position 1901, A replaced by G.
Protein change: p.Glu634Gly; replaces glutamic acid 634 with glycine.
Molecular consequence: missense variant. On other transcripts: non-coding transcript variant (1).
Genome position (GRCh38, 1-based): chr19:50,409,130, A>G. VCF-style: chr19-50409130-A-G. GRCh37 (hg19) VCF-style: chr19-50912387-A-G.
Other names: c.1901A>G, p.Glu634Gly (NM_001256849.1); c.1979A>G, p.Glu660Gly (NM_001308632.1); short protein forms E660G, E634G.
Identifiers: ClinVar variation 2024746 (VCV002024746.4), dbSNP rs1236887089, ClinGen allele CA406982200.